The following is an entry in ClinVar:

NM_018303.6(EXOC2):c.2333G>A (p.Gly778Glu)

Gene: EXOC2 (exocyst complex component 2; minus strand). Cytogenetic location: 6p25.3.
Variant type: single nucleotide variant.
Coding change: c.2333G>A on transcript NM_018303.6 (MANE Select); coding-DNA position 2333, G replaced by A.
Protein change: p.Gly778Glu; replaces glycine 778 with glutamic acid.
Molecular consequence: missense variant. On other transcripts: non-coding transcript variant (1).
Genome position (GRCh38, 1-based): chr6:532,516, C>T on the plus strand (G>A on the coding strand, the complement: EXOC2 is on the minus strand). VCF-style: chr6-532516-C-T. GRCh37 (hg19) VCF-style: chr6-532516-C-T.
Other names: c.2333G>A (NM_018303.5); short protein forms G778E.
Identifiers: ClinVar variation 3091032 (VCV003091032.2), dbSNP rs952148845, ClinGen allele CA133342567.
Genomic context (GRCh38, chr6:532,516, plus strand): 5'-CTTTATTACTTACCTGTTGGAGGCAGGCAGTCCTTCCAATCAAAATATCCTGCATAAATT[C>T]CAGGTTCTAAGGAGCCAACGATGGGATCTGCTTTCAACTCGATGTAATTTTCAAAGAGTC-3'
Protein context (NP_060773.3, residues 768-788): ADPIVGSLEP[Gly778Glu]IYAGYFDWKD

ClinVar aggregate classification (germline): Uncertain significance. Review status: criteria provided, multiple submitters, no conflicts (2 of 4 stars). 2 submissions from 2 submitters: Uncertain significance (2). Last evaluated 2026-07-11.

Conditions:
EXOC2-related disorder. Also called: EXOC2-related condition.

Allele frequency attached by ClinVar (database versions not stated): gnomAD exomes 0.00002; gnomAD 0.00003; TOPMed 0.00003.
gnomAD v4.1: 15 of 1,606,962 alleles (0.00093%); highest among the groups gnomAD compares: African/African-American, 0.0013%; no homozygotes.

Submissions (2):

PreventionGenetics, part of Exact Sciences
Classification: Uncertain significance for EXOC2-related condition. Last evaluated: 2026-07-11. Review status: criteria provided, single submitter. Criteria: ACMG Guidelines, 2015. Collection method: clinical testing. Allele origin: germline.
Comment: The EXOC2 c.2333G>A variant is predicted to result in the amino acid substitution p.Gly778Glu. To our knowledge, this variant has not been reported in the literature. This variant is reported in 0.0016% of alleles in individuals of European (Non-Finnish) descent in gnomAD. At this time, the clinical significance of this variant is uncertain due to the absence of conclusive functional and genetic evidence.

Ambry Genetics
Classification: Uncertain significance. Last evaluated: 2024-03-04. Review status: criteria provided, single submitter. Criteria: Ambry Variant Classification Scheme 2023. Collection method: clinical testing. Allele origin: germline.